The following is an entry in ClinVar:

ClinVar aggregate classification (germline): Conflicting classifications of pathogenicity. Review status: criteria provided, conflicting classifications (1 of 4 stars). 2 submissions from 2 submitters: Uncertain significance (1); Likely benign (1). Last evaluated 2021-12-23.

Conditions:
Charcot-Marie-Tooth disease type 2. Also called: Charcot-Marie-Tooth type 2. Identifiers: Orphanet 64746, MedGen C0270914, MONDO:0018993.

Allele frequency attached by ClinVar (database versions not stated): gnomAD 0.00008; TOPMed 0.00008; 1000 Genomes Project 30x 0.00016; 1000 Genomes Project 0.00020; ESP Exome Variant Server 0.00031; ExAC 0.00003; gnomAD exomes 0.00001.
gnomAD v4.1: 22 of 1,561,106 alleles (0.0014%); highest among the groups gnomAD compares: African/African-American, 0.03%; no homozygotes.

Submissions (2):

Labcorp Genetics (formerly Invitae), Labcorp
Classification: Uncertain significance for Charcot-Marie-Tooth disease type 2. Last evaluated: 2021-12-23. Review status: criteria provided, single submitter. Criteria: Invitae Variant Classification Sherloc (09022015). Collection method: clinical testing. Allele origin: germline.
Comment: This variant has not been reported in the literature in individuals affected with KIF1B-related conditions. This variant is present in population databases (rs141350047, gnomAD 0.03%). This sequence change replaces lysine, which is basic and polar, with arginine, which is basic and polar, at codon 290 of the KIF1B protein (p.Lys290Arg). Algorithms developed to predict the effect of missense changes on protein structure and function are either unavailable or do not agree on the potential impact of this missense change (SIFT: "Deleterious"; PolyPhen-2: "Benign"; Align-GVGD: "Class C0"). In summary, the available evidence is currently insufficient to determine the role of this variant in disease. Therefore, it has been classified as a Variant of Uncertain Significance.

Ambry Genetics
Classification: Likely benign. Last evaluated: 2020-08-24. Review status: criteria provided, single submitter. Criteria: Ambry Variant Classification Scheme 2023. Collection method: clinical testing. Allele origin: germline.

NM_001365951.3(KIF1B):c.887A>G (p.Lys296Arg)

Gene: KIF1B (kinesin family member 1B; plus strand). Cytogenetic location: 1p36.22.
Variant type: single nucleotide variant.
Coding change: c.887A>G on transcript NM_001365951.3 (MANE Select); coding-DNA position 887, A replaced by G.
Protein change: p.Lys296Arg; replaces lysine 296 with arginine.
Molecular consequence: missense variant.
Genome position (GRCh38, 1-based): chr1:10,275,432, A>G. VCF-style: chr1-10275432-A-G. GRCh37 (hg19) VCF-style: chr1-10335490-A-G.
Other names: c.887A>G, p.Lys296Arg (NM_001365952.1); c.869A>G, p.Lys290Arg (NM_001365953.1, NM_015074.3, NM_183416.4); short protein forms K296R, K290R.
Identifiers: ClinVar variation 1764330 (VCV001764330.7), dbSNP rs141350047, ClinGen allele CA580837.